The following is an entry in ClinVar:

ClinVar aggregate classification (germline): Uncertain significance (1 of 4 stars; one submission).

Conditions:
Familial cold autoinflammatory syndrome 3 (FCAS3). Also called: FAMILIAL ATYPICAL COLD URTICARIA; ANTIBODY DEFICIENCY AND IMMUNE DYSREGULATION, PLCG2-ASSOCIATED. Identifiers: Orphanet 300359, MedGen C3280914, MONDO:0013766, OMIM 614468.

Submission:

Labcorp Genetics (formerly Invitae), Labcorp
Classification: Uncertain significance for Familial cold autoinflammatory syndrome 3. Last evaluated: 2023-08-17. Review status: criteria provided, single submitter. Criteria: Invitae Variant Classification Sherloc (09022015). Collection method: clinical testing. Allele origin: germline.
Comment: In summary, the available evidence is currently insufficient to determine the role of this variant in disease. Therefore, it has been classified as a Variant of Uncertain Significance. An algorithm developed to predict the effect of missense changes on protein structure and function (PolyPhen-2) suggests that this variant is likely to be disruptive. ClinVar contains an entry for this variant (Variation ID: 1345702). This variant has not been reported in the literature in individuals affected with PLCG2-related conditions. This variant is not present in population databases (gnomAD no frequency). This sequence change replaces glutamic acid, which is acidic and polar, with aspartic acid, which is acidic and polar, at codon 72 of the PLCG2 protein (p.Glu72Asp).

NM_002661.5(PLCG2):c.216A>C (p.Glu72Asp)

Gene: PLCG2 (phospholipase C gamma 2; plus strand). Cytogenetic location: 16q23.3.
Variant type: single nucleotide variant.
Coding change: c.216A>C on transcript NM_002661.5 (MANE Select); coding-DNA position 216, A replaced by C.
Protein change: p.Glu72Asp; replaces glutamic acid 72 with aspartic acid.
Molecular consequence: missense variant.
Genome position (GRCh38, 1-based): chr16:81,854,466, A>C. VCF-style: chr16-81854466-A-C. GRCh37 (hg19) VCF-style: chr16-81888071-A-C.
Other names: short protein forms E72D.
Identifiers: ClinVar variation 1345702 (VCV001345702.8), dbSNP rs2143474867, ClinGen allele CA396900488.
Genomic context (GRCh38, chr16:81,854,466, plus strand): 5'-CTCCAGCTTCTAATTGGCTCATGTTAATTTCATTTTAGTGGATATCATGGAAATAAAAGA[A>C]ATCCGCCCAGGGAAGAACTCCAAAGATTTCGAGCGAGCAAAAGCAGTTCGCCAGAAAGAA-3'
Protein context (NP_002652.2, residues 62-82): EGFLDIMEIK[Glu72Asp]IRPGKNSKDF